The following is an entry in ClinVar:

ClinVar aggregate classification (germline): Uncertain significance (1 of 4 stars; one submission).

Conditions:
Bardet-Biedl syndrome (BBS). Identifiers: Orphanet 110, MedGen C0752166, MONDO:0015229.

Allele frequency attached by ClinVar (database versions not stated): ExAC 0.00001; gnomAD 0.00001.
gnomAD v4.1: 2 of 1,613,716 alleles (0.00012%); highest among the groups gnomAD compares: Non-Finnish European, 0.00017%; no homozygotes.

Submission:

Labcorp Genetics (formerly Invitae), Labcorp
Classification: Uncertain significance for Bardet-Biedl syndrome. Last evaluated: 2022-03-11. Review status: criteria provided, single submitter. Criteria: Invitae Variant Classification Sherloc (09022015). Collection method: clinical testing. Allele origin: germline.
Comment: In summary, the available evidence is currently insufficient to determine the role of this variant in disease. Therefore, it has been classified as a Variant of Uncertain Significance. Algorithms developed to predict the effect of missense changes on protein structure and function are either unavailable or do not agree on the potential impact of this missense change (SIFT: "Deleterious"; PolyPhen-2: "Possibly Damaging"; Align-GVGD: "Class C0"). This variant has not been reported in the literature in individuals affected with BBS7-related conditions. This variant is present in population databases (rs199806762, gnomAD 0.007%). This sequence change replaces isoleucine, which is neutral and non-polar, with methionine, which is neutral and non-polar, at codon 90 of the BBS7 protein (p.Ile90Met).

NM_176824.3(BBS7):c.270T>G (p.Ile90Met)

Gene: BBS7 (Bardet-Biedl syndrome 7; minus strand). Cytogenetic location: 4q27.
Variant type: single nucleotide variant.
Coding change: c.270T>G on transcript NM_176824.3 (MANE Select); coding-DNA position 270, T replaced by G.
Protein change: p.Ile90Met; replaces isoleucine 90 with methionine.
Molecular consequence: missense variant.
Genome position (GRCh38, 1-based): chr4:121,861,575, A>C on the plus strand (T>G on the coding strand, the complement: BBS7 is on the minus strand). VCF-style: chr4-121861575-A-C. GRCh37 (hg19) VCF-style: chr4-122782730-A-C.
Other names: c.270T>G, p.Ile90Met (NM_018190.4); short protein forms I90M.
Identifiers: ClinVar variation 2196743 (VCV002196743.4), dbSNP rs199806762, ClinGen allele CA3064550.
Genomic context (GRCh38, chr4:121,861,575, plus strand): 5'-GCTTTCAGTGAGGTTTGTTTCAAAGGAGAGGAACTGTTTTCCTCTTTTTGTGAAGCCTCT[A>C]ATCTCAGATGCTGCAGCAATAAAAATTTTCTCCTGAGGTGTGTTGATAACCCCTCCCAGT-3'
Protein context (NP_789794.1, residues 80-100): EKIFIAAASE[Ile90Met]RGFTKRGKQF